The following is an entry in ClinVar:

NM_001887.4(CRYBB1):c.683C>A (p.Ser228Tyr)

Genes: CRYBA4 (crystallin beta A4; plus strand), CRYBB1 (crystallin beta B1; minus strand). Cytogenetic location: 22q12.1.
Variant type: single nucleotide variant.
Coding change: c.683C>A on transcript NM_001887.4 (MANE Select); coding-DNA position 683, C replaced by A.
Protein change: p.Ser228Tyr; replaces serine 228 with tyrosine.
Molecular consequence: missense variant.
Genome position (GRCh38, 1-based): chr22:26,599,566, G>T on the plus strand (C>A on the coding strand, the complement: CRYBB1 is on the minus strand). VCF-style: chr22-26599566-G-T. GRCh37 (hg19) VCF-style: chr22-26995530-G-T.
Other names: short protein forms S228Y.
Identifiers: ClinVar variation 1879550 (VCV001879550.31), dbSNP rs2518949706, ClinGen allele CA411027725.

ClinVar aggregate classification (germline): Likely pathogenic. Review status: criteria provided, multiple submitters, no conflicts (2 of 4 stars). 2 submissions from 2 submitters: Likely pathogenic (2). Last evaluated 2024-05-08.

Conditions:
Cataract 17 multiple types. Also called: CATARACT 17, PULVERULENT; CATARACT 17, CONGENITAL NUCLEAR, AUTOSOMAL RECESSIVE. Identifiers: Orphanet 91492, MedGen C3888124, MONDO:0012688, OMIM 611544.

Submissions (2):

Miami Human Genetics, University Of Miami Miller School Of Medicine
Classification: Likely pathogenic for Cataract 17 multiple types. Last evaluated: 2024-05-08. Review status: criteria provided, single submitter. Criteria: ACMG Guidelines, 2015. Collection method: research. Allele origin: maternal. Inheritance: Autosomal dominant inheritance. Affected: yes. Observed: 1 heterozygote.

CeGaT Center for Human Genetics Tuebingen
Classification: Likely pathogenic. Last evaluated: 2022-11-01. Review status: criteria provided, single submitter. Criteria: CeGaT Center For Human Genetics Tuebingen Variant Classification Criteria Version 2. Collection method: clinical testing. Allele origin: germline. Affected: yes. Observed: 3 variant alleles.
Comment: CRYBB1: PM2, PM5, PP1:Moderate, PP4